The following is an entry in ClinVar:

NM_000368.5(TSC1):c.3035C>T (p.Ser1012Phe)

Gene: TSC1 (TSC complex subunit 1; minus strand). Cytogenetic location: 9q34.13.
Variant type: single nucleotide variant.
Coding change: c.3035C>T on transcript NM_000368.5 (MANE Select); coding-DNA position 3035, C replaced by T.
Protein change: p.Ser1012Phe; replaces serine 1012 with phenylalanine.
Molecular consequence: missense variant. On other transcripts: non-coding transcript variant (5).
Genome position (GRCh38, 1-based): chr9:132,896,695, G>A on the plus strand (C>T on the coding strand, the complement: TSC1 is on the minus strand). VCF-style: chr9-132896695-G-A. GRCh37 (hg19) VCF-style: chr9-135772082-G-A.
Other names: c.2882C>T, p.Ser961Phe (NM_001162427.2, NM_001406610.1); c.2672C>T, p.Ser891Phe (NM_001362177.2, NM_001406614.1, NM_001406615.1 and 4 more transcripts); c.3035C>T, p.Ser1012Phe (NM_001406592.1, NM_001406593.1, NM_001406594.1 and 2 more transcripts); c.3032C>T, p.Ser1011Phe (NM_001406597.1, NM_001406598.1, NM_001406599.1 and 2 more transcripts); c.3020C>T, p.Ser1007Phe (NM_001406601.1, NM_001406602.1); c.3017C>T, p.Ser1006Phe (NM_001406603.1, NM_001406604.1); c.2993C>T, p.Ser998Phe (NM_001406605.1, NM_001406606.1, NM_001406607.1); c.2990C>T, p.Ser997Phe (NM_001406608.1, NM_001406609.1); and 8 more; short protein forms S1007F, S1006F, S1012F, S961F, S997F, S998F, S661F, S694F.
Identifiers: ClinVar variation 2814571 (VCV002814571.3), dbSNP rs1845085132, ClinGen allele CA375367783.

ClinVar aggregate classification (germline): Uncertain significance (1 of 4 stars; one submission).

Conditions:
Tuberous sclerosis 1 (TSC1). Identifiers: Orphanet 805, MedGen C1854465, MONDO:0008612, OMIM 191100.

Submission:

Labcorp Genetics (formerly Invitae), Labcorp
Classification: Uncertain significance for Tuberous sclerosis 1. Last evaluated: 2023-04-10. Review status: criteria provided, single submitter. Criteria: Invitae Variant Classification Sherloc (09022015). Collection method: clinical testing. Allele origin: germline.
Comment: This variant is not present in population databases (gnomAD no frequency). In summary, the available evidence is currently insufficient to determine the role of this variant in disease. Therefore, it has been classified as a Variant of Uncertain Significance. Advanced modeling of protein sequence and biophysical properties (such as structural, functional, and spatial information, amino acid conservation, physicochemical variation, residue mobility, and thermodynamic stability) performed at Invitae indicates that this missense variant is not expected to disrupt TSC1 protein function. This variant has not been reported in the literature in individuals affected with TSC1-related conditions. This sequence change replaces serine, which is neutral and polar, with phenylalanine, which is neutral and non-polar, at codon 1012 of the TSC1 protein (p.Ser1012Phe).